The following is an entry in ClinVar:

ClinVar aggregate classification (germline): Uncertain significance (1 of 4 stars; one submission).

Submission:

Ambry Genetics
Classification: Uncertain significance. Last evaluated: 2026-05-01. Review status: criteria provided, single submitter. Criteria: Ambry Variant Classification Scheme 2023. Collection method: clinical testing. Allele origin: germline.
Comment: The p.A124G variant (also known as c.371C>G), located in coding exon 1 of the EGLN1 gene, results from a C to G substitution at nucleotide position 371. The alanine at codon 124 is replaced by glycine, an amino acid with similar properties. This amino acid position is conserved. In addition, this alteration is predicted to be tolerated by in silico analysis. Based on the available evidence, the clinical significance of this variant remains unclear.

NM_022051.3(EGLN1):c.371C>G (p.Ala124Gly)

Gene: EGLN1 (egl-9 family hypoxia inducible factor 1; minus strand). Cytogenetic location: 1q42.2.
Variant type: single nucleotide variant.
Coding change: c.371C>G on transcript NM_022051.3 (MANE Select); coding-DNA position 371, C replaced by G.
Protein change: p.Ala124Gly; replaces alanine 124 with glycine.
Molecular consequence: missense variant.
Genome position (GRCh38, 1-based): chr1:231,421,518, G>C on the plus strand (C>G on the coding strand, the complement: EGLN1 is on the minus strand). VCF-style: chr1-231421518-G-C. GRCh37 (hg19) VCF-style: chr1-231557264-G-C.
Other names: c.371C>G, p.Ala124Gly (NM_001377260.1, NM_001377261.1); short protein forms A124G.
Identifiers: ClinVar variation 4870318 (VCV004870318.1).